The following is an entry in ClinVar:

ClinVar aggregate classification (germline): Conflicting classifications of pathogenicity. Review status: criteria provided, conflicting classifications (1 of 4 stars). 6 submissions from 6 submitters: Uncertain significance (4); Likely benign (1). 1 of the submissions does not count toward it. Last evaluated 2025-01-24.

Conditions:
PKD1-related disorder. Also called: PKD1-related condition.
Inborn genetic diseases. Identifiers: MedGen C0950123, MeSH D030342.
Polycystic kidney disease, adult type (PKD1). Also called: Polycystic Kidney Disease 1, Autosomal Dominant; Polycystic kidney disease 1; Polycystic kidney disease 1, severe; POLYCYSTIC KIDNEY DISEASE, ADULT, TYPE I; Polycystic Kidney, Autosomal Dominant; POLYCYSTIC KIDNEY DISEASE 1 WITH OR WITHOUT POLYCYSTIC LIVER DISEASE. Identifiers: MedGen C3149841, MONDO:0008263, OMIM 173900.

Allele frequency attached by ClinVar (database versions not stated): gnomAD exomes 0.00002 and 0.00004; gnomAD 0.00003; TOPMed 0.00003.
gnomAD v4.1: 38 of 1,582,104 alleles (0.0024%); highest among the groups gnomAD compares: Middle Eastern, 0.02%; no homozygotes.

Submissions (6):

Ambry Genetics
Classification: Uncertain significance for Inborn genetic diseases. Last evaluated: 2025-01-24. Review status: criteria provided, single submitter. Criteria: Ambry Variant Classification Scheme 2023. Collection method: clinical testing. Allele origin: germline.

Women's Health and Genetics/Laboratory Corporation of America, LabCorp
Classification: Uncertain significance. Last evaluated: 2024-11-05. Review status: criteria provided, single submitter. Criteria: LabCorp Variant Classification Summary - May 2015. Collection method: clinical testing. Allele origin: germline.
Comment: Variant summary: PKD1 c.3605C>T (p.Ala1202Val) results in a non-conservative amino acid change located in the Polycystic kidney disease (PKD) domain profile (IPR000601) of the encoded protein sequence. Three of five in-silico tools predict a benign effect of the variant on protein function. The variant allele was found at a frequency of 4.3e-05 in 188136 control chromosomes. However, this observation needs to be cautiously considered since sequence alignment analysis suggests that the variant lies within a region of the gene that has high homology with the PKD1 pseudogene. c.3605C>T has been reported in an unknown state in the literature in at least 1 individual who was in a cohort with Polycystic Kidney Disease (example, Nigro_2023). These report(s) do not provide unequivocal conclusions about association of the variant with Polycystic Kidney Disease 1. To our knowledge, no experimental evidence demonstrating an impact on protein function has been reported. The following publications have been ascertained in the context of this evaluation (PMID: 37372416, 33964006). ClinVar contains an entry for this variant (Variation ID: 1048824). Based on the evidence outlined above, the variant was classified as uncertain significance.

CeGaT Center for Human Genetics Tuebingen
Classification: Likely benign. Last evaluated: 2022-12-01. Review status: criteria provided, single submitter. Criteria: CeGaT Center For Human Genetics Tuebingen Variant Classification Criteria Version 2. Collection method: clinical testing. Allele origin: germline. Affected: yes. Observed: 1 variant allele.
Comment: PKD1: BP4

PreventionGenetics, part of Exact Sciences
Classification: Uncertain significance for PKD1-related condition. Last evaluated: 2022-09-06. Review status: criteria provided, single submitter. Criteria: ACMG Guidelines, 2015. Collection method: clinical testing. Allele origin: germline.
Comment: The PKD1 c.3605C>T variant is predicted to result in the amino acid substitution p.Ala1202Val. To our knowledge, this variant has not been reported in the literature. This variant is reported in 0.023% of alleles in individuals of Ashkenazi Jewish descent in gnomAD. Although we suspect that this variant may be benign, at this time, the clinical significance of this variant is uncertain due to the absence of conclusive functional and genetic evidence.

Fulgent Genetics
Classification: Uncertain significance for Polycystic kidney disease, adult type. Last evaluated: 2022-04-24. Review status: criteria provided, single submitter. Criteria: ACMG Guidelines, 2015. Collection method: clinical testing. Allele origin: unknown.

Department of Pathology and Laboratory Medicine, Sinai Health System
Classification: Uncertain significance. Review status: no assertion criteria provided. Collection method: clinical testing. Allele origin: unknown. Affected: yes. Study: The Canadian Open Genetics Repository (COGR). Not counted in ClinVar's aggregate classification.
Comment: The PKD1 p.Ala1202Val variant was not identified in the literature nor was it identified in ClinVar, LOVD 3.0, ADPKD Mutation Database or PKD1-LOVD. The variant was identified in dbSNP (ID: rs767834829) and in control databases in 8 of 188136 chromosomes at a frequency of 0.000043 (Genome Aggregation Database Feb 27, 2017). The variant was observed in the following populations: Ashkenazi Jewish in 2 of 8888 chromosomes (freq: 0.000225), Other in 1 of 4984 chromosomes (freq: 0.000201), European (non-Finnish) in 4 of 78418 chromosomes (freq: 0.000051) and Latino in 1 of 28418 chromosomes (freq: 0.000035), while the variant was not observed in the African, East Asian, European (Finnish) and South Asian populations. In addition we cannot be certain that data from control databases is specific to PKD1 and not from one of the six PKD1 pseudogenes. The variant occurs outside of the splicing consensus sequence and 3 of 4 in silico or computational prediction software programs (MaxEntScan, NNSPLICE, GeneSplicer) do not predict a greater than 10% difference in splicing.The p.Ala1202 residue is conserved in mammals but not in more distantly related organisms however computational analyses (SIFT, AlignGVGD, BLOSUM, MutationTaster) do not suggest a high likelihood of impact to the protein; this information is not predictive enough to rule out pathogenicity. In summary, based on the above information the clinical significance of this variant cannot be determined with certainty at this time. This variant is classified as a variant of uncertain significance.

Literature cited by the submitters: PubMed 33964006 (cited by Women's Health and Genetics/Laboratory Corporation of America, LabCorp); PubMed 37372416 (cited by Women's Health and Genetics/Laboratory Corporation of America, LabCorp).

NM_001009944.3(PKD1):c.3605C>T (p.Ala1202Val)

Gene: PKD1 (polycystin 1, transient receptor potential channel interacting; minus strand). Cytogenetic location: 16p13.3.
Variant type: single nucleotide variant.
Coding change: c.3605C>T on transcript NM_001009944.3 (MANE Select); coding-DNA position 3605, C replaced by T.
Protein change: p.Ala1202Val; replaces alanine 1202 with valine.
Molecular consequence: missense variant.
Genome position (GRCh38, 1-based): chr16:2,111,562, G>A on the plus strand (C>T on the coding strand, the complement: PKD1 is on the minus strand). VCF-style: chr16-2111562-G-A. GRCh37 (hg19) VCF-style: chr16-2161563-G-A.
Other names: c.3605C>T (NM_001009944.2, NM_000296.3); c.3605C>T, p.Ala1202Val (NM_000296.4); short protein forms A1202V.
Identifiers: ClinVar variation 1048824 (VCV001048824.28), dbSNP rs767834829, ClinGen allele CA7832709.